The following is an entry in ClinVar:

ClinVar aggregate classification (germline): Uncertain significance. Review status: criteria provided, multiple submitters, no conflicts (2 of 4 stars). 2 submissions from 2 submitters: Uncertain significance (2). Last evaluated 2025-09-22.

Conditions:
Inborn genetic diseases. Identifiers: MedGen C0950123, MeSH D030342.
Orthostatic hypotension 1 (ORTHYP1). Also called: Dopamine beta-hydroxylase deficiency; Orthostatic hypotension 1, due to DBH deficiency; NORADRENALINE DEFICIENCY; NOREPINEPHRINE DEFICIENCY. Identifiers: Orphanet 230, MedGen C4746777, MONDO:0009123, OMIM 223360.

Allele frequency attached by ClinVar (database versions not stated): gnomAD 0.00001.

Submissions (2):

Labcorp Genetics (formerly Invitae), Labcorp
Classification: Uncertain significance for Orthostatic hypotension 1. Last evaluated: 2025-09-22. Review status: criteria provided, single submitter. Criteria: Invitae Variant Classification Sherloc (09022015). Collection method: clinical testing. Allele origin: germline.
Comment: This sequence change falls in intron 3 of the DBH gene. It does not directly change the encoded amino acid sequence of the DBH protein. It affects a nucleotide within the consensus splice site. This variant is not present in population databases (gnomAD no frequency). This variant has not been reported in the literature in individuals affected with DBH-related conditions. ClinVar contains an entry for this variant (Variation ID: 1401102). Variants that disrupt the consensus splice site are a relatively common cause of aberrant splicing (PMID: 17576681, 9536098). Algorithms developed to predict the effect of sequence changes on RNA splicing suggest that this variant is not likely to affect RNA splicing. In summary, the available evidence is currently insufficient to determine the role of this variant in disease. Therefore, it has been classified as a Variant of Uncertain Significance.

Ambry Genetics
Classification: Uncertain significance for Inborn genetic diseases. Last evaluated: 2020-12-28. Review status: criteria provided, single submitter. Criteria: Ambry Variant Classification Scheme 2023. Collection method: clinical testing. Allele origin: germline.
Comment: The c.744+4delC intronic variant is located 4 nucleotides after exon 3 (coding exon 3) of the DBH gene. This variant results from a deletion of one nucleotide at position c.744+4. In silico splice site analysis predicts that this alteration will not have any significant effect on splicing. Based on insufficient or conflicting evidence, the clinical significance of this alteration remains unclear.

Literature cited by the submitters: PubMed 17576681 (cited by Labcorp Genetics (formerly Invitae), Labcorp); PubMed 9536098 (cited by Labcorp Genetics (formerly Invitae), Labcorp).

NM_000787.4(DBH):c.744+4del

Gene: DBH (dopamine beta-hydroxylase; plus strand). Cytogenetic location: 9q34.2.
Variant type: Deletion.
Coding change: c.744+4del on transcript NM_000787.4 (MANE Select); 4 bases into the intron after coding-DNA position 744, one base deleted (C; older notation c.744+4delC).
Molecular consequence: intron variant.
Genome position (GRCh38, 1-based): chr9:133,642,468, C deleted. VCF-style (leftmost placement, unchanged base first): chr9-133642467-AC-A. GRCh37 (hg19) VCF-style: chr9-136507589-AC-A.
Other names: c.744+4delC (NM_000787.3).
Identifiers: ClinVar variation 1401102 (VCV001401102.7), dbSNP rs1832129067, ClinGen allele CA1129758784.